The following is an entry in ClinVar:

NM_001972.4(ELANE):c.575G>A (p.Gly192Asp)

Gene: ELANE (elastase, neutrophil expressed; plus strand). Cytogenetic location: 19p13.3.
Variant type: single nucleotide variant.
Coding change: c.575G>A on transcript NM_001972.4 (MANE Select); coding-DNA position 575, G replaced by A.
Protein change: p.Gly192Asp; replaces glycine 192 with aspartic acid.
Molecular consequence: missense variant.
Genome position (GRCh38, 1-based): chr19:855,772, G>A. VCF-style: chr19-855772-G-A. GRCh37 (hg19) VCF-style: chr19-855772-G-A.
Other names: short protein forms G192D.
Identifiers: ClinVar variation 3844273 (VCV003844273.2).

ClinVar aggregate classification (germline): Uncertain significance. Review status: criteria provided, multiple submitters, no conflicts (2 of 4 stars). 2 submissions from 2 submitters: Uncertain significance (2). Last evaluated 2024-12-15.

Conditions:
Inborn genetic diseases. Identifiers: MedGen C0950123, MeSH D030342.

gnomAD v4.1: 4 of 1,608,652 alleles (0.00025%); highest among the groups gnomAD compares: Non-Finnish European, 0.00034%; no homozygotes.

Submissions (2):

Ambry Genetics
Classification: Uncertain significance for Inborn genetic diseases. Last evaluated: 2024-12-15. Review status: criteria provided, single submitter. Criteria: Ambry Variant Classification Scheme 2023. Collection method: clinical testing. Allele origin: germline.
Comment: The p.G192D variant (also known as c.575G>A), located in coding exon 4 of the ELANE gene, results from a G to A substitution at nucleotide position 575. The glycine at codon 192 is replaced by aspartic acid, an amino acid with similar properties. This amino acid position is conserved. In addition, the in silico prediction for this alteration is inconclusive. Based on the available evidence, the clinical significance of this variant remains unclear.

Blueprint Genetics
Classification: Uncertain significance. Last evaluated: 2024-10-17. Review status: criteria provided, single submitter. Criteria: ACMG Guidelines, 2015. Collection method: clinical testing. Allele origin: germline.